The following is an entry in ClinVar:

ClinVar aggregate classification (germline): Likely benign. Review status: criteria provided, single submitter (1 of 4 stars). 4 submissions from 4 submitters: Likely benign (1). 3 of the submissions do not count toward it. Last evaluated 2025-11-03.

Conditions:
COL4A2-related disorder. Also called: COL4A2-related disorders; COL4A2-related condition.

Allele frequency attached by ClinVar (database versions not stated): gnomAD exomes 0.00004; ExAC 0.00005; gnomAD 0.00006 and 0.00007; TOPMed 0.00008; ESP Exome Variant Server 0.00017.
gnomAD v4.1: 100 of 1,614,060 alleles (0.0062%); highest among the groups gnomAD compares: Admixed American, 0.012%; no homozygotes.

Submissions (4):

Labcorp Genetics (formerly Invitae), Labcorp
Classification: Likely benign. Last evaluated: 2025-11-03. Review status: criteria provided, single submitter. Criteria: Invitae Variant Classification Sherloc (09022015). Collection method: clinical testing. Allele origin: germline.

PreventionGenetics, part of Exact Sciences
Classification: Uncertain significance for COL4A2-related condition. Last evaluated: 2024-05-28. Review status: no assertion criteria provided. Collection method: clinical testing. Allele origin: germline. Not counted in ClinVar's aggregate classification.
Comment: The COL4A2 c.965G>A variant is predicted to result in the amino acid substitution p.Arg322Gln. This variant was reported in the heterozygous state in an individual with cerebral small vessel disease; however additional evidence was not provided to support causation (Tan et al 2019. PubMed ID: 31719132). This variant is reported in 0.012% of alleles in individuals of African descent in gnomAD. At this time, the clinical significance of this variant is uncertain due to the absence of conclusive functional and genetic evidence.

Clinical Genetics DNA and cytogenetics Diagnostics Lab, Erasmus MC, Erasmus Medical Center
Classification: Uncertain significance. Review status: no assertion criteria provided. Collection method: clinical testing. Allele origin: germline. Affected: yes. Study: VKGL Data-share Consensus. Not counted in ClinVar's aggregate classification.

Laboratory of Diagnostic Genome Analysis, Leiden University Medical Center (LUMC)
Classification: Uncertain significance. Review status: no assertion criteria provided. Collection method: clinical testing. Allele origin: germline. Affected: yes. Study: VKGL Data-share Consensus. Not counted in ClinVar's aggregate classification.

NM_001846.4(COL4A2):c.965G>A (p.Arg322Gln)

Gene: COL4A2 (collagen type IV alpha 2 chain; plus strand). Cytogenetic location: 13q34.
Variant type: single nucleotide variant.
Coding change: c.965G>A on transcript NM_001846.4 (MANE Select); coding-DNA position 965, G replaced by A.
Protein change: p.Arg322Gln; replaces arginine 322 with glutamine.
Molecular consequence: missense variant.
Genome position (GRCh38, 1-based): chr13:110,445,836, G>A. VCF-style: chr13-110445836-G-A. GRCh37 (hg19) VCF-style: chr13-111098183-G-A.
Other names: c.965G>A (NM_001846.3); short protein forms R322Q.
Identifiers: ClinVar variation 1206042 (VCV001206042.11), dbSNP rs201640075, ClinGen allele CA7049255.